The following is an entry in ClinVar:

ClinVar aggregate classification (germline): Uncertain significance (1 of 4 stars; one submission).

Conditions:
Wolfram syndrome 1 (WFS1). Identifiers: Orphanet 3463, MedGen C4551693, MONDO:0009101, OMIM 222300.

Submission:

Center for Human Genetics and Genomic Medicine, Uniklinik Rwth Aachen
Classification: Uncertain significance for Wolfram syndrome 1. Review status: criteria provided, single submitter. Criteria: ACMG Guidelines, 2015. Collection method: clinical testing. Allele origin: unknown. Inheritance: Autosomal recessive inheritance. Affected: yes.
Comment: The variant is not present in databases, bioinformatic prediction is deleterious. ACMG criteria are PM2, PM3 and PP3

NM_006005.3(WFS1):c.1598C>T (p.Pro533Leu)

Gene: WFS1 (wolframin ER transmembrane glycoprotein; plus strand). Cytogenetic location: 4p16.1.
Variant type: single nucleotide variant.
Coding change: c.1598C>T on transcript NM_006005.3 (MANE Select); coding-DNA position 1598, C replaced by T.
Protein change: p.Pro533Leu; replaces proline 533 with leucine.
Molecular consequence: missense variant.
Genome position (GRCh38, 1-based): chr4:6,301,393, C>T. VCF-style: chr4-6301393-C-T. GRCh37 (hg19) VCF-style: chr4-6303120-C-T.
Other names: c.1598C>T, p.Pro533Leu (NM_001145853.1); short protein forms P533L.
Identifiers: ClinVar variation 3338651 (VCV003338651.1).